The following is an entry in ClinVar:

ClinVar aggregate classification (germline): Uncertain significance. Review status: criteria provided, single submitter (1 of 4 stars). 3 submissions from 3 submitters: Uncertain significance (1). 2 of the submissions do not count toward it. Last evaluated 2017-04-27.

Conditions:
UPK3A-related disorder. Also called: UPK3A-related condition.
Renal hypodysplasia/aplasia 1 (RHDA1). Also called: RENAL APLASIA; HEREDITARY RENAL APLASIA. Identifiers: Orphanet 411709, MedGen C1619700, MONDO:0024519, OMIM 191830.

Allele frequency attached by ClinVar (database versions not stated): 1000 Genomes Project 0.00080; 1000 Genomes Project 30x 0.00125; TOPMed 0.00173; gnomAD exomes 0.00253; gnomAD 0.00159 and 0.00160.
gnomAD v4.1: 3,196 of 1,334,734 alleles (0.24%); highest among the groups gnomAD compares: Non-Finnish European, 0.31%; 10 homozygotes.

Submissions (3):

Illumina Laboratory Services, Illumina
Classification: Uncertain significance for Renal hypodysplasia/aplasia 1. Last evaluated: 2017-04-27. Review status: criteria provided, single submitter. Criteria: ICSL Variant Classification Criteria 13 December 2019. Collection method: clinical testing. Allele origin: germline.

PreventionGenetics, part of Exact Sciences
Classification: Likely benign for UPK3A-related condition. Last evaluated: 2020-10-19. Review status: no assertion criteria provided. Collection method: clinical testing. Allele origin: germline. Not counted in ClinVar's aggregate classification.
Comment: This variant is classified as likely benign based on ACMG/AMP sequence variant interpretation guidelines (Richards et al. 2015 PMID: 25741868, with internal and published modifications).

OMIM
Classification: Uncertain significance for RECLASSIFIED - VARIANT OF UNKNOWN SIGNIFICANCE. Last evaluated: 2005-07-01. Review status: no assertion criteria provided. Collection method: literature only. Allele origin: germline. Not counted in ClinVar's aggregate classification.

Literature cited by the submitters: PubMed 15888565 (cited by OMIM).

NM_006953.4(UPK3A):c.*107T>C

Gene: UPK3A (uroplakin 3A; plus strand). Cytogenetic location: 22q13.31.
Variant type: single nucleotide variant.
Coding change: c.*107T>C on transcript NM_006953.4 (MANE Select); 107 bases downstream of the stop codon, T replaced by C.
Molecular consequence: 3 prime UTR variant.
Genome position (GRCh38, 1-based): chr22:45,295,826, T>C. VCF-style: chr22-45295826-T-C. GRCh37 (hg19) VCF-style: chr22-45691707-T-C.
Other names: 1003T-C; c.*107T>C (NM_001167574.2).
Identifiers: ClinVar variation 874 (VCV000000874.8), dbSNP rs558490093, ClinGen allele CA114596.